The following is an entry in ClinVar:

NM_003238.6(TGFB2):c.716T>G (p.Ile239Ser)

Gene: TGFB2 (transforming growth factor beta 2; plus strand). Cytogenetic location: 1q41.
Variant type: single nucleotide variant.
Coding change: c.716T>G on transcript NM_003238.6 (MANE Select); coding-DNA position 716, T replaced by G.
Protein change: p.Ile239Ser; replaces isoleucine 239 with serine.
Molecular consequence: missense variant. On other transcripts: non-coding transcript variant (2).
Genome position (GRCh38, 1-based): chr1:218,434,410, T>G. VCF-style: chr1-218434410-T-G. GRCh37 (hg19) VCF-style: chr1-218607752-T-G.
Other names: c.800T>G, p.Ile267Ser (NM_001135599.4); short protein forms I239S, I267S.
Identifiers: ClinVar variation 1312038 (VCV001312038.2), dbSNP rs2102626827, ClinGen allele CA344726889.

ClinVar aggregate classification (germline): Uncertain significance (1 of 4 stars; one submission).

Submission:

GeneDx
Classification: Uncertain significance. Last evaluated: 2020-01-15. Review status: criteria provided, single submitter. Criteria: GeneDx Variant Classification Process June 2021. Collection method: clinical testing. Allele origin: germline. Affected: yes.
Comment: Has not been previously published as pathogenic or benign to our knowledge; Not observed in large population cohorts (Lek et al., 2016); In silico analysis, which includes protein predictors and evolutionary conservation, supports that this variant does not alter protein structure/function